The following is an entry in ClinVar:

ClinVar aggregate classification (germline): Likely benign (1 of 4 stars; one submission).

Allele frequency attached by ClinVar (database versions not stated): gnomAD 0.00001; TOPMed below 0.00001; ExAC 0.00001; gnomAD exomes below 0.00001.
gnomAD v4.1: 2 of 1,612,668 alleles (0.00012%); highest among the groups gnomAD compares: African/African-American, 0.0013%; no homozygotes.

Submission:

GeneDx
Classification: Likely benign. Last evaluated: 2017-11-22. Review status: criteria provided, single submitter. Criteria: GeneDx Variant Classification (06012015). Collection method: clinical testing. Allele origin: germline. Affected: yes.
Comment: This variant is considered likely benign or benign based on one or more of the following criteria: it is a conservative change, it occurs at a poorly conserved position in the protein, it is predicted to be benign by multiple in silico algorithms, and/or has population frequency not consistent with disease.

NM_001267550.2(TTN):c.32218A>T (p.Ser10740Cys)

Gene: TTN (titin; minus strand). Cytogenetic location: 2q31.2.
Variant type: single nucleotide variant.
Coding change: c.32218A>T on transcript NM_001267550.2 (MANE Select); coding-DNA position 32218, A replaced by T.
Protein change: p.Ser10740Cys; replaces serine 10740 with cysteine.
Molecular consequence: missense variant. On other transcripts: intron variant (3).
Genome position (GRCh38, 1-based): chr2:178,688,204, T>A on the plus strand (A>T on the coding strand, the complement: TTN is on the minus strand). VCF-style: chr2-178688204-T-A. GRCh37 (hg19) VCF-style: chr2-179552931-T-A.
Other names: c.31267A>T, p.Ser10423Cys (NM_001256850.1); c.28486A>T, p.Ser9496Cys (NM_133378.4); c.13283-45887A>T (NM_003319.4); c.13859-45887A>T (NM_133437.4); c.13658-45887A>T (NM_133432.3); short protein forms S10423C, S10740C, S9496C.
Identifiers: ClinVar variation 513713 (VCV000513713.1), dbSNP rs758825292, ClinGen allele CA1998684.